The following is an entry in ClinVar:

ClinVar aggregate classification (germline): Uncertain significance. Review status: criteria provided, multiple submitters, no conflicts (2 of 4 stars). 4 submissions from 4 submitters: Uncertain significance (4). Last evaluated 2025-01-06.

Conditions:
Hereditary cancer-predisposing syndrome. Also called: Neoplastic Syndromes, Hereditary; Tumor predisposition; Hereditary neoplastic syndrome; Hereditary Cancer Syndrome. Identifiers: Orphanet 140162, MedGen C0027672, MeSH D009386, MONDO:0015356.
Patterned macular dystrophy 2. Identifiers: Orphanet 99001, MedGen C1837029, MONDO:0012162, OMIM 608970.

Allele frequency attached by ClinVar (database versions not stated): gnomAD exomes below 0.00001.
gnomAD v4.1: 3 of 1,614,114 alleles (0.00019%); highest among the groups gnomAD compares: South Asian, 0.0011%; no homozygotes.

Submissions (4):

Labcorp Genetics (formerly Invitae), Labcorp
Classification: Uncertain significance. Last evaluated: 2025-01-06. Review status: criteria provided, single submitter. Criteria: Invitae Variant Classification Sherloc (09022015). Collection method: clinical testing. Allele origin: germline.
Comment: This sequence change replaces arginine, which is basic and polar, with tryptophan, which is neutral and slightly polar, at codon 126 of the CTNNA1 protein (p.Arg126Trp). This variant is not present in population databases (gnomAD no frequency). This variant has not been reported in the literature in individuals affected with CTNNA1-related conditions. ClinVar contains an entry for this variant (Variation ID: 644420). Invitae Evidence Modeling of protein sequence and biophysical properties (such as structural, functional, and spatial information, amino acid conservation, physicochemical variation, residue mobility, and thermodynamic stability) indicates that this missense variant is not expected to disrupt CTNNA1 protein function with a negative predictive value of 80%. In summary, the available evidence is currently insufficient to determine the role of this variant in disease. Therefore, it has been classified as a Variant of Uncertain Significance.

GeneDx
Classification: Uncertain significance. Last evaluated: 2024-07-12. Review status: criteria provided, single submitter. Criteria: GeneDx Variant Classification Process June 2021. Collection method: clinical testing. Allele origin: germline. Affected: yes.
Comment: Not observed at significant frequency in large population cohorts (gnomAD); In silico analysis supports that this missense variant has a deleterious effect on protein structure/function; Identified in individuals undergoing multi-gene hereditary cancer panel testing (PMID: 32051609); This variant is associated with the following publications: (PMID: 32051609)

Ambry Genetics
Classification: Uncertain significance for Hereditary cancer-predisposing syndrome. Last evaluated: 2024-07-09. Review status: criteria provided, single submitter. Criteria: Ambry Variant Classification Scheme 2023. Collection method: clinical testing. Allele origin: germline.
Comment: The p.R126W variant (also known as c.376C>T), located in coding exon 3 of the CTNNA1 gene, results from a C to T substitution at nucleotide position 376. The arginine at codon 126 is replaced by tryptophan, an amino acid with dissimilar properties. This amino acid position is highly conserved in available vertebrate species. In addition, the in silico prediction for this alteration is inconclusive. The evidence for this gene-disease relationship is limited; therefore, the clinical significance of this alteration is unclear.

Baylor Genetics
Classification: Uncertain significance for Patterned macular dystrophy 2. Last evaluated: 2023-10-04. Review status: criteria provided, single submitter. Criteria: ACMG Guidelines, 2015. Collection method: clinical testing. Allele origin: unknown.

NM_001903.5(CTNNA1):c.376C>T (p.Arg126Trp)

Gene: CTNNA1 (catenin alpha 1; plus strand). Cytogenetic location: 5q31.2.
Variant type: single nucleotide variant.
Coding change: c.376C>T on transcript NM_001903.5 (MANE Select); coding-DNA position 376, C replaced by T.
Protein change: p.Arg126Trp; replaces arginine 126 with tryptophan.
Molecular consequence: missense variant.
Genome position (GRCh38, 1-based): chr5:138,810,112, C>T. VCF-style: chr5-138810112-C-T. GRCh37 (hg19) VCF-style: chr5-138145801-C-T.
Other names: c.376C>T (NM_001903.2); c.376C>T, p.Arg126Trp (NM_001290307.3, NM_001323982.2, NM_001323983.1 and 3 more transcripts); c.67C>T, p.Arg23Trp (NM_001290309.3); c.7C>T, p.Arg3Trp (NM_001290310.3); short protein forms R126W, R23W, R3W.
Identifiers: ClinVar variation 644420 (VCV000644420.11), dbSNP rs1581105656, ClinGen allele CA361123093.
Genomic context (GRCh38, chr5:138,810,112, plus strand): 5'-GCTGCTGCAGGAGAGTTCGCAGATGATCCCTGCTCTTCTGTGAAGCGAGGCAACATGGTT[C>T]GGGCAGCTCGAGCTTTGCTCTCTGCTGTTACCCGGTTGCTGATTTTGGCTGACATGGCAG-3'
Protein context (NP_001894.2, residues 116-136): CSSVKRGNMV[Arg126Trp]AARALLSAVT